The following is an entry in ClinVar:

NM_012478.4(WBP2):c.725T>C (p.Met242Thr)

Gene: WBP2 (WW domain binding protein 2; minus strand). Cytogenetic location: 17q25.1.
Variant type: single nucleotide variant.
Coding change: c.725T>C on transcript NM_012478.4 (MANE Select); coding-DNA position 725, T replaced by C.
Protein change: p.Met242Thr; replaces methionine 242 with threonine.
Molecular consequence: missense variant.
Genome position (GRCh38, 1-based): chr17:75,846,915, A>G on the plus strand (T>C on the coding strand, the complement: WBP2 is on the minus strand). VCF-style: chr17-75846915-A-G. GRCh37 (hg19) VCF-style: chr17-73842996-A-G.
Other names: c.590T>C, p.Met197Thr (NM_001330499.2); c.725T>C, p.Met242Thr (NM_001348170.1); short protein forms M197T, M242T.
Identifiers: ClinVar variation 3332613 (VCV003332613.3).

ClinVar aggregate classification (germline): Uncertain significance. Review status: criteria provided, multiple submitters, no conflicts (2 of 4 stars). 2 submissions from 2 submitters: Uncertain significance (2). Last evaluated 2024-05-13.

gnomAD v4.1: 23 of 1,614,110 alleles (0.0014%); highest among the groups gnomAD compares: Admixed American, 0.013%; no homozygotes.

Submissions (2):

Ambry Genetics
Classification: Uncertain significance. Last evaluated: 2024-05-13. Review status: criteria provided, single submitter. Criteria: Ambry Variant Classification Scheme 2023. Collection method: clinical testing. Allele origin: germline.

Labcorp Genetics (formerly Invitae), Labcorp
Classification: Uncertain significance. Last evaluated: 2024-04-27. Review status: criteria provided, single submitter. Criteria: Invitae Variant Classification Sherloc (09022015). Collection method: clinical testing. Allele origin: germline.
Comment: This sequence change replaces methionine, which is neutral and non-polar, with threonine, which is neutral and polar, at codon 242 of the WBP2 protein (p.Met242Thr). This variant is present in population databases (rs200534175, gnomAD 0.003%). This variant has not been reported in the literature in individuals affected with WBP2-related conditions. An algorithm developed to predict the effect of missense changes on protein structure and function (PolyPhen-2) suggests that this variant is likely to be tolerated. In summary, the available evidence is currently insufficient to determine the role of this variant in disease. Therefore, it has been classified as a Variant of Uncertain Significance.